The following is an entry in ClinVar:

ClinVar aggregate classification (germline): Uncertain significance. Review status: criteria provided, single submitter (1 of 4 stars). 2 submissions from 2 submitters: Uncertain significance (1). 1 of the submissions does not count toward it. Last evaluated 2024-10-18.

Conditions:
POLRMT-related disorder. Also called: POLRMT-related condition.
Combined oxidative phosphorylation deficiency 55 (COXPD55). Identifiers: MedGen C5676915, MONDO:0859228, OMIM 619743.

Allele frequency attached by ClinVar (database versions not stated): gnomAD exomes 0.00001 and 0.00005; ExAC 0.00002; gnomAD 0.00005 and 0.00006; TOPMed 0.00008.
gnomAD v4.1: 81 of 1,580,144 alleles (0.0051%); highest among the groups gnomAD compares: Non-Finnish European, 0.0063%; no homozygotes.

Submissions (2):

PreventionGenetics, part of Exact Sciences
Classification: Uncertain significance for POLRMT-related condition. Last evaluated: 2024-10-18. Review status: criteria provided, single submitter. Criteria: ACMG Guidelines, 2015. Collection method: clinical testing. Allele origin: germline.
Comment: The POLRMT c.2641-1G>C variant is predicted to disrupt the AG splice acceptor site and interfere with normal splicing. Functional studies indicate this variant impacts splicing resulting in an in-frame deletion designated p.Gly881_Lys883del and mild mitochondrial DNA depletion but severe loss of mitochondrial mRNA transcripts and protein levels in patient fibroblasts (Patient 3, Oláhová et al. 2021. PubMed ID: 33602924). This variant is reported in 0.0022% of alleles in individuals of European (Non-Finnish) descent in gnomAD. Although we suspect that this variant may be pathogenic, at this time, the clinical significance of this variant is uncertain due to the absence of conclusive functional and genetic evidence.

OMIM
Classification: Pathogenic for COMBINED OXIDATIVE PHOSPHORYLATION DEFICIENCY 55. Last evaluated: 2022-02-21. Review status: no assertion criteria provided. Collection method: literature only. Allele origin: germline. Not counted in ClinVar's aggregate classification.

Literature cited by the submitters: PubMed 33602924 (cited by OMIM).

NM_005035.4(POLRMT):c.2641-1G>C

Gene: POLRMT (RNA polymerase mitochondrial; minus strand). Cytogenetic location: 19p13.3.
Variant type: single nucleotide variant.
Coding change: c.2641-1G>C on transcript NM_005035.4 (MANE Select); the canonical splice acceptor site of the intron before coding-DNA position 2641, G replaced by C.
Molecular consequence: splice acceptor variant. On other transcripts: intron variant (1).
Genome position (GRCh38, 1-based): chr19:620,488, C>G on the plus strand (G>C on the coding strand, the complement: POLRMT is on the minus strand). VCF-style: chr19-620488-C-G. GRCh37 (hg19) VCF-style: chr19-620488-C-G.
Other names: IVS10, G-C, -1; c.2599-1G>C (NM_001407813.1, NM_001407811.1); c.2629-1G>C (NM_001407810.1, NM_001407807.1); c.2632-1G>C (NM_001407809.1, NM_001407806.1); c.2416-1G>C (NM_001407832.1, NM_001407830.1); c.2641-408G>C (NM_001407829.1); c.2641-1G>C (NM_001407815.1, NM_001407814.1, NM_001407812.1 and 3 more transcripts); c.2308-1G>C (NM_001407834.1); and 1 more.
Identifiers: ClinVar variation 1341473 (VCV001341473.3), dbSNP rs778201827, ClinGen allele CA9019793.